The following is an entry in ClinVar:

ClinVar aggregate classification (germline): Likely benign. Review status: criteria provided, multiple submitters, no conflicts (2 of 4 stars). 4 submissions from 4 submitters: Likely benign (4). Last evaluated 2025-04-14.

Conditions:
Pyridoxine-dependent epilepsy (EPEO4). Also called: PYRIDOXINE DEPENDENCY WITH SEIZURES; Pyridoxine-Dependent Seizures; Pyridoxine-Dependent Epilepsy - ALDH7A1; EPILEPSY, EARLY-ONSET, 4, VITAMIN B6-DEPENDENT. Identifiers: Orphanet 3006, MedGen C1849508, MONDO:0009945, OMIM 266100. Disease mechanism: loss of function.

Allele frequency attached by ClinVar (database versions not stated): gnomAD exomes 0.00001; TOPMed 0.00001; ExAC 0.00002.
gnomAD v4.1: 12 of 1,608,590 alleles (0.00075%); highest among the groups gnomAD compares: Middle Eastern, 0.033%; no homozygotes.

Submissions (4):

Labcorp Genetics (formerly Invitae), Labcorp
Classification: Likely benign for Pyridoxine-dependent epilepsy. Last evaluated: 2025-04-14. Review status: criteria provided, single submitter. Criteria: Invitae Variant Classification Sherloc (09022015). Collection method: clinical testing. Allele origin: germline.

Blueprint Genetics
Classification: Likely benign. Last evaluated: 2024-01-10. Review status: criteria provided, single submitter. Criteria: ACMG Guidelines, 2015. Collection method: clinical testing. Allele origin: germline.

Genome-Nilou Lab
Classification: Likely benign for Pyridoxine-dependent epilepsy. Last evaluated: 2023-04-11. Review status: criteria provided, single submitter. Criteria: ACMG Guidelines, 2015. Collection method: clinical testing. Allele origin: germline. Affected: no.

GeneDx
Classification: Likely benign. Last evaluated: 2018-02-15. Review status: criteria provided, single submitter. Criteria: GeneDx Variant Classification (06012015). Collection method: clinical testing. Allele origin: germline. Affected: yes.
Comment: This variant is considered likely benign or benign based on one or more of the following criteria: it is a conservative change, it occurs at a poorly conserved position in the protein, it is predicted to be benign by multiple in silico algorithms, and/or has population frequency not consistent with disease.

NM_001182.5(ALDH7A1):c.1201-5A>G

Gene: ALDH7A1 (aldehyde dehydrogenase 7 family member A1; minus strand). Cytogenetic location: 5q23.2.
Variant type: single nucleotide variant.
Coding change: c.1201-5A>G on transcript NM_001182.5 (MANE Select); 5 bases into the intron before coding-DNA position 1201, A replaced by G.
Molecular consequence: intron variant.
Genome position (GRCh38, 1-based): chr5:126,552,142, T>C on the plus strand (A>G on the coding strand, the complement: ALDH7A1 is on the minus strand). VCF-style: chr5-126552142-T-C. GRCh37 (hg19) VCF-style: chr5-125887834-T-C.
Other names: c.1009-5A>G (NM_001202404.2); c.1117-5A>G (NM_001201377.2).
Identifiers: ClinVar variation 515395 (VCV000515395.10), dbSNP rs753508557, ClinGen allele CA3389485.
Genomic context (GRCh38, chr5:126,552,142, plus strand): 5'-TGGCCAAGACCTGTCACAATTGTCGGTTCTACATAATTTCCAGGGCGATCCATAACCTAA[T>C]GCAGAGAAATGAAATAAAAAGAATGAAAGCATTTTGTTTTCTAGGACTTGGGGTCAGAGG-3'